The following is an entry in ClinVar:

ClinVar aggregate classification (germline): Benign/Likely benign. Review status: criteria provided, multiple submitters, no conflicts (2 of 4 stars). 2 submissions from 2 submitters: Benign (1); Likely benign (1). Last evaluated 2025-12-29.

Conditions:
Carney-Stratakis syndrome. Also called: PARAGANGLIOMA AND GASTROINTESTINAL STROMAL TUMOR. Identifiers: Orphanet 97286, MedGen C1847319, MONDO:0011740, OMIM 606864.
Paragangliomas with sensorineural hearing loss. Identifiers: MedGen C1868633.
Cowden syndrome 3 (CWS3). Identifiers: Orphanet 201, MedGen CN166604, MONDO:0014045.
Pheochromocytoma. Also called: MAX-Related Hereditary Paraganglioma-Pheochromocytoma Syndrome. Identifiers: Orphanet 29072, MedGen C0031511, MONDO:0008233, OMIM 171300, HP:0002666.
Pheochromocytoma/paraganglioma syndrome 1. Also called: PARAGANGLIOMAS, FAMILIAL NONCHROMAFFIN, 1; PGL 1; Paragangliomas familial 1; PARAGANGLIOMATA; Paragangliomas 1; Glomus tumors familial 1. Identifiers: Orphanet 29072, MedGen C3494181, MONDO:0008192, OMIM 168000.

Submissions (2):

Labcorp Genetics (formerly Invitae), Labcorp
Classification: Benign for Carney-Stratakis syndrome; Paragangliomas with sensorineural hearing loss; Pheochromocytoma; Cowden syndrome 3. Last evaluated: 2025-12-29. Review status: criteria provided, single submitter. Criteria: Invitae Variant Classification Sherloc (09022015). Collection method: clinical testing. Allele origin: germline.

Myriad Genetics, Inc.
Classification: Likely benign for Pheochromocytoma/paraganglioma syndrome 1. Last evaluated: 2025-03-17. Review status: criteria provided, single submitter. Criteria: Myriad Autosomal Dominant, Autosomal Recessive and X-Linked Classification Criteria (2023). Collection method: clinical testing. Allele origin: unknown.
Comment: This variant is considered likely benign. This variant is intronic and is not expected to impact mRNA splicing.

NM_003002.4(SDHD):c.315-13del

Gene: SDHD (succinate dehydrogenase complex subunit D; plus strand). Cytogenetic location: 11q23.1.
Variant type: Deletion.
Coding change: c.315-13del on transcript NM_003002.4 (MANE Select); 13 bases into the intron before coding-DNA position 315, one base deleted (T; older notation c.315-13delT).
Molecular consequence: intron variant.
Genome position (GRCh38, 1-based): chr11:112,094,792, T deleted; the last of 6 consecutive T bases (chr11:112,094,787-112,094,792); deleting any one gives the same sequence. VCF-style (leftmost placement, unchanged base first): chr11-112094786-AT-A. GRCh37 (hg19) VCF-style: chr11-111965510-AT-A.
Other names: c.*13-13del (NM_001276506.2); c.170-13del (NM_001276503.2); c.198-13del (NM_001276504.2).
Identifiers: ClinVar variation 1592305 (VCV001592305.9), dbSNP rs2135277277, ClinGen allele CA2573146844.